The following is an entry in ClinVar:

ClinVar aggregate classification (germline): Benign (1 of 4 stars; one submission).

Conditions:
Papillary renal cell carcinoma type 1 (RCCP1). Also called: RENAL CELL CARCINOMA, PAPILLARY, 1, SOMATIC; Renal adenocarcinoma; Renal cell carcinoma 1; Renal cell carcinoma, somatic. Identifiers: Orphanet 47044, MedGen C1336839, OMIM 605074, HP:0011797.

Allele frequency attached by ClinVar (database versions not stated): gnomAD exomes 0.00020; 1000 Genomes Project 30x 0.00187; gnomAD 0.00187 and 0.00192; 1000 Genomes Project 0.00200; TOPMed 0.00204.
gnomAD v4.1: 385 of 612,946 alleles (0.063%); highest among the groups gnomAD compares: African/African-American, 0.6%; 2 homozygotes.

Submission:

Illumina Laboratory Services, Illumina
Classification: Benign for Papillary renal cell carcinoma type 1. Last evaluated: 2018-01-13. Review status: criteria provided, single submitter. Criteria: ICSL Variant Classification Criteria 13 December 2019. Collection method: clinical testing. Allele origin: germline.
Comment: This variant was observed in the ICSL laboratory as part of a predisposition screen in an ostensibly healthy population. It had not been previously curated by ICSL or reported in the Human Gene Mutation Database (HGMD: prior to June 1st, 2018), and was therefore a candidate for classification through an automated scoring system. Utilizing variant allele frequency, disease prevalence and penetrance estimates, and inheritance mode, an automated score was calculated to assess if this variant is too frequent to cause the disease. Based on the score and internal cut-off values, a variant classified as benign is not then subjected to further curation. The score for this variant resulted in a classification of benign for this disease.

NM_000245.4(MET):c.*201C>T

Gene: MET (MET proto-oncogene, receptor tyrosine kinase; plus strand). Cytogenetic location: 7q31.2.
Variant type: single nucleotide variant.
Coding change: c.*201C>T on transcript NM_000245.4 (MANE Select); 201 bases downstream of the stop codon, C replaced by T.
Molecular consequence: 3 prime UTR variant.
Genome position (GRCh38, 1-based): chr7:116,796,325, C>T. VCF-style: chr7-116796325-C-T. GRCh37 (hg19) VCF-style: chr7-116436379-C-T.
Other names: c.*201C>T (NM_001127500.3, NM_001324402.2).
Identifiers: ClinVar variation 910012 (VCV000910012.4), dbSNP rs1129355, ClinGen allele CA165451078.